The following is an entry in ClinVar:

ClinVar aggregate classification (germline): Uncertain significance (1 of 4 stars; one submission).

gnomAD v4.1: 1 of 1,613,574 alleles (0.000062%); highest among the groups gnomAD compares: Non-Finnish European, 0.000085%; no homozygotes.

Submission:

GeneDx
Classification: Uncertain significance. Last evaluated: 2024-12-16. Review status: criteria provided, single submitter. Criteria: GeneDx Variant Classification Process June 2021. Collection method: clinical testing. Allele origin: germline. Affected: yes.
Comment: Not observed at significant frequency in large population cohorts (gnomAD); In silico analysis supports that this missense variant has a deleterious effect on protein structure/function; Has not been previously published as pathogenic or benign to our knowledge

NM_002156.5(HSPD1):c.206G>C (p.Gly69Ala)

Gene: HSPD1 (heat shock protein family D (Hsp60) member 1; minus strand). Cytogenetic location: 2q33.1.
Variant type: single nucleotide variant.
Coding change: c.206G>C on transcript NM_002156.5 (MANE Select); coding-DNA position 206, G replaced by C.
Protein change: p.Gly69Ala; replaces glycine 69 with alanine.
Molecular consequence: missense variant.
Genome position (GRCh38, 1-based): chr2:197,497,361, C>G on the plus strand (G>C on the coding strand, the complement: HSPD1 is on the minus strand). VCF-style: chr2-197497361-C-G. GRCh37 (hg19) VCF-style: chr2-198362085-C-G.
Other names: c.206G>C, p.Gly69Ala (NM_199440.2); short protein forms G69A.
Identifiers: ClinVar variation 3907816 (VCV003907816.1).
Genomic context (GRCh38, chr2:197,497,361, plus strand): 5'-TTATCTTTTAAGTCAATTGACTTTGCAACAGTCACACCATCTTTTGTTACTTTGGGACTT[C>G]CCCAACTCTGCTCAATAATCACTGTTCTTCCCTAGAAGAAAAAAATGTAACAGGATCAGA-3'
Protein context (NP_002147.2, residues 59-79): GRTVIIEQSW[Gly69Ala]SPKVTKDGVT